The following is an entry in ClinVar:

ClinVar aggregate classification (germline): Uncertain significance (1 of 4 stars; one submission).

Submission:

Ambry Genetics
Classification: Uncertain significance. Last evaluated: 2022-10-04. Review status: criteria provided, single submitter. Criteria: Ambry Variant Classification Scheme 2023. Collection method: clinical testing. Allele origin: germline.
Comment: The p.D2131V variant (also known as c.6392A>T), located in coding exon 20 of the POLQ gene, results from an A to T substitution at nucleotide position 6392. The aspartic acid at codon 2131 is replaced by valine, an amino acid with highly dissimilar properties. This amino acid position is conserved. In addition, the in silico prediction for this alteration is inconclusive. Since supporting evidence is limited at this time, the clinical significance of this alteration remains unclear.

NM_199420.4(POLQ):c.6392A>T (p.Asp2131Val)

Gene: POLQ (DNA polymerase theta; minus strand). Cytogenetic location: 3q13.33.
Variant type: single nucleotide variant.
Coding change: c.6392A>T on transcript NM_199420.4 (MANE Select); coding-DNA position 6392, A replaced by T.
Protein change: p.Asp2131Val; replaces aspartic acid 2131 with valine.
Molecular consequence: missense variant.
Genome position (GRCh38, 1-based): chr3:121,476,553, T>A on the plus strand (A>T on the coding strand, the complement: POLQ is on the minus strand). VCF-style: chr3-121476553-T-A. GRCh37 (hg19) VCF-style: chr3-121195400-T-A.
Other names: short protein forms D2131V.
Identifiers: ClinVar variation 1753241 (VCV001753241.2), dbSNP rs2546777058, ClinGen allele CA354086795.